The following is an entry in ClinVar:

NM_000059.4(BRCA2):c.8900C>T (p.Thr2967Ile)

Gene: BRCA2 (BRCA2 DNA repair associated; plus strand). Cytogenetic location: 13q13.1.
Variant type: single nucleotide variant.
Coding change: c.8900C>T on transcript NM_000059.4 (MANE Select); coding-DNA position 8900, C replaced by T.
Protein change: p.Thr2967Ile; replaces threonine 2967 with isoleucine.
Molecular consequence: missense variant. On other transcripts: non-coding transcript variant (1).
Genome position (GRCh38, 1-based): chr13:32,379,462, C>T. VCF-style: chr13-32379462-C-T. GRCh37 (hg19) VCF-style: chr13-32953599-C-T.
Other names: c.8900C>T, p.Thr2967Ile (NM_001406720.1, NM_001432077.1); c.3968C>T, p.Thr1323Ile (NM_001406721.1); c.2483C>T, p.Thr828Ile (NM_001406722.1); c.8804C>T, p.Thr2935Ile (NM_001406719.1); short protein forms T1323I, T2935I, T2967I, T828I.
Identifiers: ClinVar variation 4756123 (VCV004756123.1).
Genomic context (GRCh38, chr13:32,379,462, plus strand): 5'-AAATTAGGAAGGCCATGGAATCTGCTGAACAAAAGGAACAAGGTTTATCAAGGGATGTCA[C>T]AACCGTGTGGAAGTTGCGTATTGTAAGCTATTCAAAAAAAGAAAAAGATTCAGGTAAGTA-3'
Protein context (NP_000050.3, residues 2957-2977): QKEQGLSRDV[Thr2967Ile]TVWKLRIVSY

ClinVar aggregate classification (germline): Uncertain significance (1 of 4 stars; one submission).

Conditions:
Hereditary cancer-predisposing syndrome. Also called: Tumor predisposition; Hereditary Cancer Syndrome; Neoplastic Syndromes, Hereditary; Hereditary neoplastic syndrome. Identifiers: Orphanet 140162, MedGen C0027672, MeSH D009386, MONDO:0015356.

Submission:

Color Diagnostics, LLC DBA Color Health
Classification: Uncertain significance for Hereditary cancer-predisposing syndrome. Last evaluated: 2024-10-15. Review status: criteria provided, single submitter. Criteria: ACMG Guidelines, 2015. Collection method: clinical testing. Allele origin: germline.
Comment: This missense variant replaces threonine with isoleucine at codon 2967 of the BRCA2 protein. Computational prediction suggests that this variant may not impact protein structure and function. To our knowledge, functional studies have not been reported for this variant. This variant has not been reported in individuals affected with BRCA2-related disorders in the literature. This variant has not been identified in the general population by the Genome Aggregation Database (gnomAD). The available evidence is insufficient to determine the role of this variant in disease conclusively. Therefore, this variant is classified as a Variant of Uncertain Significance.